The following is an entry in ClinVar:

NM_003560.4(PLA2G6):c.1523C>T (p.Thr508Ile)

Gene: PLA2G6 (phospholipase A2 group VI; minus strand). Cytogenetic location: 22q13.1.
Variant type: single nucleotide variant.
Coding change: c.1523C>T on transcript NM_003560.4 (MANE Select); coding-DNA position 1523, C replaced by T.
Protein change: p.Thr508Ile; replaces threonine 508 with isoleucine.
Molecular consequence: missense variant.
Genome position (GRCh38, 1-based): chr22:38,123,163, G>A on the plus strand (C>T on the coding strand, the complement: PLA2G6 is on the minus strand). VCF-style: chr22-38123163-G-A. GRCh37 (hg19) VCF-style: chr22-38519170-G-A.
Other names: c.1361C>T, p.Thr454Ile (NM_001004426.3, NM_001199562.3, NM_001349865.2 and 1 more transcripts); c.1523C>T, p.Thr508Ile (NM_001349864.2); c.989C>T, p.Thr330Ile (NM_001349867.2); c.845C>T, p.Thr282Ile (NM_001349868.2); c.827C>T, p.Thr276Ile (NM_001349869.2); short protein forms T282I, T508I, T454I, T276I, T330I.
Identifiers: ClinVar variation 1998979 (VCV001998979.1), dbSNP rs1365584438, ClinGen allele CA411527906.
Genomic context (GRCh38, chr22:38,123,163, plus strand): 5'-ATGGCCAGGGCCAGGATGCCTCCAGTGCTGGTGCCCGCCACCCAGTCAAACAGGTCCTTG[G>A]TGGCCACACCCGAGGCCTTCTCGATGGCGATGAGGAGCTGGATGATGATGAGGCCTTTCA-3'
Protein context (NP_003551.2, residues 498-518): IAIEKASGVA[Thr508Ile]KDLFDWVAGT

ClinVar aggregate classification (germline): Uncertain significance (1 of 4 stars; one submission).

Conditions:
Infantile neuroaxonal dystrophy (NBIA2A). Also called: NEURODEGENERATION WITH BRAIN IRON ACCUMULATION 2A; SEITELBERGER DISEASE; Infantile neuroaxonal dystrophy 1. Identifiers: Orphanet 35069, MedGen C0270724, MONDO:0024457, OMIM 256600.

Allele frequency attached by ClinVar (database versions not stated): gnomAD 0.00001; gnomAD exomes 0.00001; TOPMed below 0.00001.
gnomAD v4.1: 4 of 1,550,846 alleles (0.00026%); highest among the groups gnomAD compares: Non-Finnish European, 0.00035%; no homozygotes.

Submission:

Labcorp Genetics (formerly Invitae), Labcorp
Classification: Uncertain significance for Infantile neuroaxonal dystrophy. Last evaluated: 2022-05-25. Review status: criteria provided, single submitter. Criteria: Invitae Variant Classification Sherloc (09022015). Collection method: clinical testing. Allele origin: germline.
Comment: This sequence change replaces threonine, which is neutral and polar, with isoleucine, which is neutral and non-polar, at codon 508 of the PLA2G6 protein (p.Thr508Ile). This variant is not present in population databases (gnomAD no frequency). This variant has not been reported in the literature in individuals affected with PLA2G6-related conditions. Advanced modeling of protein sequence and biophysical properties (such as structural, functional, and spatial information, amino acid conservation, physicochemical variation, residue mobility, and thermodynamic stability) performed at Invitae indicates that this missense variant is not expected to disrupt PLA2G6 protein function. In summary, the available evidence is currently insufficient to determine the role of this variant in disease. Therefore, it has been classified as a Variant of Uncertain Significance.